The following is an entry in ClinVar:

NM_017534.6(MYH2):c.4199C>T (p.Ala1400Val)

Genes: MYH2 (myosin heavy chain 2; minus strand), MYHAS (myosin heavy chain gene cluster antisense RNA; plus strand). Cytogenetic location: 17p13.1.
Variant type: single nucleotide variant.
Coding change: c.4199C>T on transcript NM_017534.6 (MANE Select); coding-DNA position 4199, C replaced by T.
Protein change: p.Ala1400Val; replaces alanine 1400 with valine.
Molecular consequence: missense variant.
Genome position (GRCh38, 1-based): chr17:10,525,865, G>A on the plus strand (C>T on the coding strand, the complement: MYH2 is on the minus strand). VCF-style: chr17-10525865-G-A. GRCh37 (hg19) VCF-style: chr17-10429182-G-A.
Other names: c.4199C>T, p.Ala1400Val (NM_001100112.2); short protein forms A1400V.
Identifiers: ClinVar variation 864425 (VCV000864425.10), dbSNP rs770023922, ClinGen allele CA8390692.

ClinVar aggregate classification (germline): Uncertain significance. Review status: criteria provided, multiple submitters, no conflicts (2 of 4 stars). 3 submissions from 3 submitters: Uncertain significance (3). Last evaluated 2025-08-05.

Conditions:
Myopathy, proximal, and ophthalmoplegia (CMYO6). Also called: CONGENITAL MYOPATHY 6 WITH OPHTHALMOPLEGIA; INCLUSION BODY MYOPATHY 3, AUTOSOMAL DOMINANT; MYOPATHY WITH CONGENITAL JOINT CONTRACTURES, OPHTHALMOPLEGIA, AND RIMMED VACUOLES. Identifiers: Orphanet 363677, Orphanet 79091, MedGen C1854106, MONDO:0011577, OMIM 605637.

Allele frequency attached by ClinVar (database versions not stated): ExAC 0.00001; gnomAD 0.00001; gnomAD exomes 0.00001; TOPMed 0.00001.
gnomAD v4.1: 8 of 1,614,032 alleles (0.0005%); highest among the groups gnomAD compares: South Asian, 0.0011%; no homozygotes.

Submissions (3):

Labcorp Genetics (formerly Invitae), Labcorp
Classification: Uncertain significance for Myopathy, proximal, and ophthalmoplegia. Last evaluated: 2025-08-05. Review status: criteria provided, single submitter. Criteria: Invitae Variant Classification Sherloc (09022015). Collection method: clinical testing. Allele origin: germline.
Comment: This sequence change replaces alanine, which is neutral and non-polar, with valine, which is neutral and non-polar, at codon 1400 of the MYH2 protein (p.Ala1400Val). This variant is present in population databases (rs770023922, gnomAD 0.003%). This variant has not been reported in the literature in individuals affected with MYH2-related conditions. ClinVar contains an entry for this variant (Variation ID: 864425). Invitae Evidence Modeling of protein sequence and biophysical properties (such as structural, functional, and spatial information, amino acid conservation, physicochemical variation, residue mobility, and thermodynamic stability) indicates that this missense variant is not expected to disrupt MYH2 protein function with a negative predictive value of 80%. In summary, the available evidence is currently insufficient to determine the role of this variant in disease. Therefore, it has been classified as a Variant of Uncertain Significance.

GeneDx
Classification: Uncertain significance. Last evaluated: 2024-08-19. Review status: criteria provided, single submitter. Criteria: GeneDx Variant Classification Process June 2021. Collection method: clinical testing. Allele origin: germline. Affected: yes.
Comment: Not observed at significant frequency in large population cohorts (gnomAD); In silico analysis indicates that this missense variant does not alter protein structure/function; Has not been previously published as pathogenic or benign to our knowledge

Revvity Omics, Revvity
Classification: Uncertain significance for Myopathy, proximal, and ophthalmoplegia. Last evaluated: 2023-06-19. Review status: criteria provided, single submitter. Criteria: ACMG Guidelines, 2015. Collection method: clinical testing. Allele origin: germline.